The following is an entry in ClinVar:

NM_001130009.3(GEN1):c.1999T>A (p.Leu667Ile)

Gene: GEN1 (GEN1 Holliday junction 5' flap endonuclease; plus strand). Cytogenetic location: 2p24.2.
Variant type: single nucleotide variant.
Coding change: c.1999T>A on transcript NM_001130009.3 (MANE Select); coding-DNA position 1999, T replaced by A.
Protein change: p.Leu667Ile; replaces leucine 667 with isoleucine.
Molecular consequence: missense variant.
Genome position (GRCh38, 1-based): chr2:17,781,211, T>A. VCF-style: chr2-17781211-T-A. GRCh37 (hg19) VCF-style: chr2-17962478-T-A.
Other names: c.1999T>A, p.Leu667Ile (NM_182625.5); short protein forms L667I.
Identifiers: ClinVar variation 4262991 (VCV004262991.1).

ClinVar aggregate classification (germline): Uncertain significance (1 of 4 stars; one submission).

Submission:

Ambry Genetics
Classification: Uncertain significance. Last evaluated: 2025-06-26. Review status: criteria provided, single submitter. Criteria: Ambry Variant Classification Scheme 2023. Collection method: clinical testing. Allele origin: germline.
Comment: The p.L667I variant (also known as c.1999T>A), located in coding exon 13 of the GEN1 gene, results from a T to A substitution at nucleotide position 1999. The leucine at codon 667 is replaced by isoleucine, an amino acid with highly similar properties. This amino acid position is conserved. In addition, this alteration is predicted to be tolerated by in silico analysis. Based on the available evidence, the clinical significance of this variant remains unclear.